The following is an entry in ClinVar:

NM_033026.6(PCLO):c.686C>T (p.Pro229Leu)

Gene: PCLO (piccolo presynaptic cytomatrix protein; minus strand). Cytogenetic location: 7q21.11.
Variant type: single nucleotide variant.
Coding change: c.686C>T on transcript NM_033026.6 (MANE Select); coding-DNA position 686, C replaced by T.
Protein change: p.Pro229Leu; replaces proline 229 with leucine.
Molecular consequence: missense variant.
Genome position (GRCh38, 1-based): chr7:83,155,955, G>A on the plus strand (C>T on the coding strand, the complement: PCLO is on the minus strand). VCF-style: chr7-83155955-G-A. GRCh37 (hg19) VCF-style: chr7-82785271-G-A.
Other names: c.686C>T, p.Pro229Leu (NM_014510.3); short protein forms P229L.
Identifiers: ClinVar variation 786410 (VCV000786410.50), dbSNP rs112144434, ClinGen allele CA4321622.
Genomic context (GRCh38, chr7:83,155,955, plus strand): 5'-GATTTAATTTTTTCTGGTTGTTGAGAAGATATTGATTTGGGAGTGCCATCCTGCTGAAGC[G>A]GATCCCTACCAGGTCCTTGCTGCTTAGGAATCGGCTTGGGTGGCTGTTGTTGTAAAGGAG-3'
Protein context (NP_149015.2, residues 219-239): IPKQQGPGRD[Pro229Leu]LQQDGTPKSI

ClinVar aggregate classification (germline): Likely benign. Review status: criteria provided, multiple submitters, no conflicts (2 of 4 stars). 3 submissions from 3 submitters: Likely benign (2). 1 of the submissions does not count toward it. Last evaluated 2026-07-01.

Conditions:
PCLO-related disorder. Also called: PCLO-related condition.

Allele frequency attached by ClinVar (database versions not stated): gnomAD exomes 0.00330 and 0.00205; 1000 Genomes Project 0.00060; 1000 Genomes Project 30x 0.00094; ExAC 0.00200; gnomAD 0.00219 and 0.00220; TOPMed 0.00219; ESP Exome Variant Server 0.00289.
gnomAD v4.1: 5,115 of 1,613,734 alleles (0.32%); highest among the groups gnomAD compares: Non-Finnish European, 0.39%; 16 homozygotes.

Submissions (3):

CeGaT Center for Human Genetics Tuebingen
Classification: Likely benign. Last evaluated: 2026-07-01. Review status: criteria provided, single submitter. Criteria: CeGaT Center For Human Genetics Tuebingen Variant Classification Criteria Version 2. Collection method: clinical testing. Allele origin: germline. Affected: yes. Observed: 5 variant alleles.
Comment: PCLO: BP4, BS2

Labcorp Genetics (formerly Invitae), Labcorp
Classification: Likely benign. Last evaluated: 2026-01-28. Review status: criteria provided, single submitter. Criteria: Invitae Variant Classification Sherloc (09022015). Collection method: clinical testing. Allele origin: germline.

PreventionGenetics, part of Exact Sciences
Classification: Likely benign for PCLO-related condition. Last evaluated: 2022-06-16. Review status: no assertion criteria provided. Collection method: clinical testing. Allele origin: germline. Not counted in ClinVar's aggregate classification.
Comment: This variant is classified as likely benign based on ACMG/AMP sequence variant interpretation guidelines (Richards et al. 2015 PMID: 25741868, with internal and published modifications).